The following is an entry in ClinVar:

ClinVar aggregate classification (germline): Uncertain significance (1 of 4 stars; one submission).

Allele frequency attached by ClinVar (database versions not stated): gnomAD exomes 0.00001; ExAC 0.00004; TOPMed below 0.00001.
gnomAD v4.1: 5 of 1,610,718 alleles (0.00031%); highest among the groups gnomAD compares: Admixed American, 0.0033%; no homozygotes.

Submission:

GeneDx
Classification: Uncertain significance. Last evaluated: 2019-08-05. Review status: criteria provided, single submitter. Criteria: GeneDx Variant Classification Process June 2021. Collection method: clinical testing. Allele origin: germline. Affected: yes.
Comment: In silico analysis, which includes protein predictors and evolutionary conservation, supports that this variant does not alter protein structure/function; Has not been previously published as pathogenic or benign to our knowledge

NM_004817.4(TJP2):c.2954A>G (p.Asn985Ser)

Gene: TJP2 (tight junction protein 2; plus strand). Cytogenetic location: 9q21.11.
Variant type: single nucleotide variant.
Coding change: c.2954A>G on transcript NM_004817.4 (MANE Select); coding-DNA position 2954, A replaced by G.
Protein change: p.Asn985Ser; replaces asparagine 985 with serine.
Molecular consequence: missense variant. On other transcripts: intron variant (6).
Genome position (GRCh38, 1-based): chr9:69,249,448, A>G. VCF-style: chr9-69249448-A-G. GRCh37 (hg19) VCF-style: chr9-71864364-A-G.
Other names: c.3047A>G, p.Asn1016Ser (NM_001170416.2); c.2879A>G, p.Asn960Ser (NM_001369870.1); c.2885A>G, p.Asn962Ser (NM_001369871.1); c.2966A>G, p.Asn989Ser (NM_001369875.1); c.2811+1224A>G (NM_001170414.2); c.2880+1224A>G (NM_201629.3, NM_001369872.1); c.2668-1587A>G (NM_001369873.1); c.2892+1224A>G (NM_001170415.1, NM_001369874.1); short protein forms N1016S, N960S, N962S, N985S, N989S.
Identifiers: ClinVar variation 1307269 (VCV001307269.2), dbSNP rs750758555, ClinGen allele CA5073833.
Genomic context (GRCh38, chr9:69,249,448, plus strand): 5'-CCAGCCCAGAGCCACGAGCTCAGATGAGGAGGGCTGCTAGCAGCGATCAACTTAGGGACA[A>G]TAGCCCGCCCCCAGCATTCAAGCCAGAGCCGCCCAAGGTACGTGGCTGGGAAGCCCAGGA-3'
Protein context (NP_004808.2, residues 975-995): RAASSDQLRD[Asn985Ser]SPPPAFKPEP